The following is an entry in ClinVar:

ClinVar aggregate classification (germline): Uncertain significance (1 of 4 stars; one submission).

Conditions:
Inborn genetic diseases. Identifiers: MedGen C0950123, MeSH D030342.

Submission:

Ambry Genetics
Classification: Uncertain significance for Inborn genetic diseases. Last evaluated: 2025-06-08. Review status: criteria provided, single submitter. Criteria: Ambry Variant Classification Scheme 2023. Collection method: clinical testing. Allele origin: germline.
Comment: The p.E306K variant (also known as c.916G>A), located in coding exon 1 of the SAMD9 gene, results from a G to A substitution at nucleotide position 916. The glutamic acid at codon 306 is replaced by lysine, an amino acid with similar properties. This amino acid position is conserved. In addition, the in silico prediction for this alteration is inconclusive. Based on the available evidence, the clinical significance of this variant remains unclear.

NM_017654.4(SAMD9):c.916G>A (p.Glu306Lys)

Gene: SAMD9 (sterile alpha motif domain containing 9; minus strand). Cytogenetic location: 7q21.2.
Variant type: single nucleotide variant.
Coding change: c.916G>A on transcript NM_017654.4 (MANE Select); coding-DNA position 916, G replaced by A.
Protein change: p.Glu306Lys; replaces glutamic acid 306 with lysine.
Molecular consequence: missense variant.
Genome position (GRCh38, 1-based): chr7:93,105,182, C>T on the plus strand (G>A on the coding strand, the complement: SAMD9 is on the minus strand). VCF-style: chr7-93105182-C-T. GRCh37 (hg19) VCF-style: chr7-92734495-C-T.
Other names: c.916G>A, p.Glu306Lys (NM_001193307.2); short protein forms E306K.
Identifiers: ClinVar variation 3949717 (VCV003949717.1).